The following is an entry in ClinVar:

NM_001282874.2(SMARCA1):c.685C>T (p.Arg229Ter)

Gene: SMARCA1 (SNF2 related chromatin remodeling ATPase 1; minus strand). Cytogenetic location: Xq26.1.
Variant type: single nucleotide variant.
Coding change: c.685C>T on transcript NM_001282874.2 (MANE Select); coding-DNA position 685, C replaced by T.
Protein change: p.Arg229Ter; replaces arginine 229 with a stop codon.
Molecular consequence: nonsense.
Genome position (GRCh38, 1-based): chrX:129,511,929, G>A on the plus strand (C>T on the coding strand, the complement: SMARCA1 is on the minus strand). VCF-style: chrX-129511929-G-A. GRCh37 (hg19) VCF-style: chrX-128645906-G-A.
Other names: c.685C>T, p.Arg229Ter (NM_001282875.2, NM_001378261.1, NM_001378262.1 and 3 more transcripts); short protein forms R229*.
Identifiers: ClinVar variation 3901142 (VCV003901142.1).

ClinVar aggregate classification (germline): Likely pathogenic (1 of 4 stars; one submission).

Conditions:
Neurodevelopmental disorder. Identifiers: MedGen C1535926, MeSH D065886, MONDO:0700092.

Submission:

Developmental Brain Disorders Lab, Seattle Children's Hospital
Classification: Likely pathogenic for Neurodevelopmental disorder. Last evaluated: 2025-05-01. Review status: criteria provided, single submitter. Criteria: ACMG Guidelines, 2015. Collection method: research. Allele origin: unknown. Affected: yes.
Comment: This variant is a nonsense variant in a gene where loss of function is a proposed mechanism of disease. It is absent in gnomAD v4.1.0. It meets ACMG variant classification criteria (PVS1, PM2) (PMID:25741868).